The following is an entry in ClinVar:

NM_001194998.2(CEP152):c.540G>T (p.Gln180His)

Gene: CEP152 (centrosomal protein 152; minus strand). Cytogenetic location: 15q21.1.
Variant type: single nucleotide variant.
Coding change: c.540G>T on transcript NM_001194998.2 (MANE Select); coding-DNA position 540, G replaced by T.
Protein change: p.Gln180His; replaces glutamine 180 with histidine.
Molecular consequence: missense variant.
Genome position (GRCh38, 1-based): chr15:48,797,301, C>A on the plus strand (G>T on the coding strand, the complement: CEP152 is on the minus strand). VCF-style: chr15-48797301-C-A. GRCh37 (hg19) VCF-style: chr15-49089498-C-A.
Other names: c.540G>T, p.Gln180His (NM_014985.4); short protein forms Q180H.
Identifiers: ClinVar variation 4536860 (VCV004536860.1).

ClinVar aggregate classification (germline): Uncertain significance (1 of 4 stars; one submission).

Submission:

Women's Health and Genetics/Laboratory Corporation of America, LabCorp
Classification: Uncertain significance. Last evaluated: 2025-11-11. Review status: criteria provided, single submitter. Criteria: LabCorp Variant Classification Summary - May 2015. Collection method: clinical testing. Allele origin: germline.
Comment: Variant summary: CEP152 c.540G>T (p.Gln180His) results in a non-conservative amino acid change in the encoded protein sequence. Algorithms developed to predict the effect of missense changes on protein structure and function all suggest that this variant is likely to be disruptive. Several computational tools predict a significant impact on normal splicing: Three predict the variant abolishes the canonical intron 5, 5' splicing donor site. However, these predictions have yet to be confirmed by functional studies. The variant was absent in 248072 control chromosomes. The available data on variant occurrences in the general population are insufficient to allow any conclusion about variant significance. To our knowledge, no occurrence of c.540G>T in individuals affected with CEP152-related conditions and no experimental evidence demonstrating its impact on protein function have been reported. No submitters have cited clinical-significance assessments for this variant to ClinVar. Based on the evidence outlined above, the variant was classified as uncertain significance.